The following is an entry in ClinVar:

NM_000528.4(MAN2B1):c.223G>C (p.Val75Leu)

Gene: MAN2B1 (mannosidase alpha class 2B member 1; minus strand). Cytogenetic location: 19p13.13.
Variant type: single nucleotide variant.
Coding change: c.223G>C on transcript NM_000528.4 (MANE Select); coding-DNA position 223, G replaced by C.
Protein change: p.Val75Leu; replaces valine 75 with leucine.
Molecular consequence: missense variant.
Genome position (GRCh38, 1-based): chr19:12,665,742, C>G on the plus strand (G>C on the coding strand, the complement: MAN2B1 is on the minus strand). VCF-style: chr19-12665742-C-G. GRCh37 (hg19) VCF-style: chr19-12776556-C-G.
Other names: c.223G>C, p.Val75Leu (NM_001173498.2); short protein forms V75L.
Identifiers: ClinVar variation 2190308 (VCV002190308.1), dbSNP rs372860498, ClinGen allele CA404258137.
Genomic context (GRCh38, chr19:12,665,742, plus strand): 5'-CAGTCCCCATCCTCTACTCACTTCCATAAAAGTACTGGTCCACGGTTTTGAGCCAGCCCA[C>G]GTCATCATGTGTGTGAGGCAGCAGGTGCACGTTCAGCATGTTCGGCTGCACTGTGGGGCA-3'
Protein context (NP_000519.2, residues 65-85): VHLLPHTHDD[Val75Leu]GWLKTVDQYF

ClinVar aggregate classification (germline): Uncertain significance (1 of 4 stars; one submission).

Conditions:
Deficiency of alpha-mannosidase (MANSA). Also called: LYSOSOMAL ALPHA-D-MANNOSIDASE DEFICIENCY; Alpha-Mannosidosis; Mannosidosis, alpha-, types I and II. Identifiers: Orphanet 61, MedGen C0024748, MONDO:0009561, OMIM 248500.

Submission:

Labcorp Genetics (formerly Invitae), Labcorp
Classification: Uncertain significance for Deficiency of alpha-mannosidase. Last evaluated: 2022-08-17. Review status: criteria provided, single submitter. Criteria: Invitae Variant Classification Sherloc (09022015). Collection method: clinical testing. Allele origin: germline.
Comment: This sequence change replaces valine, which is neutral and non-polar, with leucine, which is neutral and non-polar, at codon 75 of the MAN2B1 protein (p.Val75Leu). This variant is not present in population databases (gnomAD no frequency). This variant has not been reported in the literature in individuals affected with MAN2B1-related conditions. Algorithms developed to predict the effect of missense changes on protein structure and function are either unavailable or do not agree on the potential impact of this missense change (SIFT: "Tolerated"; PolyPhen-2: "Probably Damaging"; Align-GVGD: "Class C0"). In summary, the available evidence is currently insufficient to determine the role of this variant in disease. Therefore, it has been classified as a Variant of Uncertain Significance.